The following is an entry in ClinVar:

ClinVar aggregate classification (germline): Uncertain significance (1 of 4 stars; one submission).

Submission:

Labcorp Genetics (formerly Invitae), Labcorp
Classification: Uncertain significance. Last evaluated: 2023-04-24. Review status: criteria provided, single submitter. Criteria: Invitae Variant Classification Sherloc (09022015). Collection method: clinical testing. Allele origin: germline.
Comment: This sequence change replaces glutamic acid, which is acidic and polar, with aspartic acid, which is acidic and polar, at codon 369 of the ASNS protein (p.Glu369Asp). This variant is not present in population databases (gnomAD no frequency). This variant has not been reported in the literature in individuals affected with ASNS-related conditions. ClinVar contains an entry for this variant (Variation ID: 2010720). Advanced modeling of protein sequence and biophysical properties (such as structural, functional, and spatial information, amino acid conservation, physicochemical variation, residue mobility, and thermodynamic stability) has been performed at Invitae for this missense variant, however the output from this modeling did not meet the statistical confidence thresholds required to predict the impact of this variant on ASNS protein function. In summary, the available evidence is currently insufficient to determine the role of this variant in disease. Therefore, it has been classified as a Variant of Uncertain Significance.

NM_001673.5(ASNS):c.1107A>T (p.Glu369Asp)

Genes: ASNS (asparagine synthetase (glutamine-hydrolyzing); minus strand), CZ1P-ASNS (CZ1P-ASNS readthrough; minus strand). Cytogenetic location: 7q21.3.
Variant type: single nucleotide variant.
Coding change: c.1107A>T on transcript NM_001673.5 (MANE Select); coding-DNA position 1107, A replaced by T.
Protein change: p.Glu369Asp; replaces glutamic acid 369 with aspartic acid.
Molecular consequence: missense variant. On other transcripts: non-coding transcript variant (1).
Genome position (GRCh38, 1-based): chr7:97,855,383, T>A on the plus strand (A>T on the coding strand, the complement: ASNS is on the minus strand). VCF-style: chr7-97855383-T-A. GRCh37 (hg19) VCF-style: chr7-97484695-T-A.
Other names: c.1044A>T, p.Glu348Asp (NM_001178075.2); c.858A>T, p.Glu286Asp (NM_001178076.2, NM_001178077.1); c.1107A>T, p.Glu369Asp (NM_001352496.2, NM_133436.3, NM_183356.4); short protein forms E286D, E369D, E348D.
Identifiers: ClinVar variation 2010720 (VCV002010720.4), dbSNP rs1791385748, ClinGen allele CA368265609.